The following is an entry in ClinVar:

ClinVar aggregate classification (germline): Uncertain significance (1 of 4 stars; one submission).

Submission:

Labcorp Genetics (formerly Invitae), Labcorp
Classification: Uncertain significance. Last evaluated: 2023-12-23. Review status: criteria provided, single submitter. Criteria: Invitae Variant Classification Sherloc (09022015). Collection method: clinical testing. Allele origin: germline.
Comment: This sequence change replaces lysine, which is basic and polar, with asparagine, which is neutral and polar, at codon 721 of the TMC1 protein (p.Lys721Asn). This variant is not present in population databases (gnomAD no frequency). This variant has not been reported in the literature in individuals affected with TMC1-related conditions. Advanced modeling of protein sequence and biophysical properties (such as structural, functional, and spatial information, amino acid conservation, physicochemical variation, residue mobility, and thermodynamic stability) has been performed at Invitae for this missense variant, however the output from this modeling did not meet the statistical confidence thresholds required to predict the impact of this variant on TMC1 protein function. In summary, the available evidence is currently insufficient to determine the role of this variant in disease. Therefore, it has been classified as a Variant of Uncertain Significance.

NM_138691.3(TMC1):c.2163G>T (p.Lys721Asn)

Gene: TMC1 (transmembrane channel like 1; plus strand). Cytogenetic location: 9q21.13.
Variant type: single nucleotide variant.
Coding change: c.2163G>T on transcript NM_138691.3 (MANE Select); coding-DNA position 2163, G replaced by T.
Protein change: p.Lys721Asn; replaces lysine 721 with asparagine.
Molecular consequence: missense variant.
Genome position (GRCh38, 1-based): chr9:72,830,484, G>T. VCF-style: chr9-72830484-G-T. GRCh37 (hg19) VCF-style: chr9-75445400-G-T.
Other names: short protein forms K721N.
Identifiers: ClinVar variation 3003311 (VCV003003311.3), dbSNP rs1588105861, ClinGen allele CA373675062.